The following is an entry in ClinVar:

ClinVar aggregate classification (germline): Uncertain significance (1 of 4 stars; one submission).

Conditions:
Ataxia-telangiectasia syndrome (AT). Also called: LOUIS-BAR SYNDROME; Cerebello-oculocutaneous telangiectasia; Immunodeficiency with ataxia telangiectasia; Ataxia telangiectasia (A-T); ATAXIA-TELANGIECTASIA, COMPLEMENTATION GROUP A; ATAXIA-TELANGIECTASIA, FRESNO VARIANT. Identifiers: Orphanet 100, MedGen C0004135, MONDO:0008840, OMIM 208900.

gnomAD v4.1: 1 of 1,613,804 alleles (0.000062%); highest among the groups gnomAD compares: Non-Finnish European, 0.000085%; no homozygotes.

Submission:

Labcorp Genetics (formerly Invitae), Labcorp
Classification: Uncertain significance for Ataxia-telangiectasia syndrome. Last evaluated: 2023-05-11. Review status: criteria provided, single submitter. Criteria: Invitae Variant Classification Sherloc (09022015). Collection method: clinical testing. Allele origin: germline.
Comment: In summary, the available evidence is currently insufficient to determine the role of this variant in disease. Therefore, it has been classified as a Variant of Uncertain Significance. Algorithms developed to predict the effect of missense changes on protein structure and function output the following: SIFT: "Not Available"; PolyPhen-2: "Benign"; Align-GVGD: "Not Available". The serine amino acid residue is found in multiple mammalian species, which suggests that this missense change does not adversely affect protein function. This variant has not been reported in the literature in individuals affected with ATM-related conditions. This variant is not present in population databases (gnomAD no frequency). This sequence change replaces cysteine, which is neutral and slightly polar, with serine, which is neutral and polar, at codon 384 of the ATM protein (p.Cys384Ser).

NM_000051.4(ATM):c.1151G>C (p.Cys384Ser)

Gene: ATM (ATM serine/threonine kinase; plus strand). Cytogenetic location: 11q22.3.
Variant type: single nucleotide variant.
Coding change: c.1151G>C on transcript NM_000051.4 (MANE Select); coding-DNA position 1151, G replaced by C.
Protein change: p.Cys384Ser; replaces cysteine 384 with serine.
Molecular consequence: missense variant.
Genome position (GRCh38, 1-based): chr11:108,249,018, G>C. VCF-style: chr11-108249018-G-C. GRCh37 (hg19) VCF-style: chr11-108119745-G-C.
Other names: c.1151G>C, p.Cys384Ser (NM_001351834.2); short protein forms C384S.
Identifiers: ClinVar variation 2857578 (VCV002857578.3), dbSNP rs2135293092, ClinGen allele CA382532488.